The following is an entry in ClinVar:

NM_000523.4(HOXD13):c.125G>T (p.Gly42Val)

Gene: HOXD13 (homeobox D13; plus strand). Cytogenetic location: 2q31.1.
Variant type: single nucleotide variant.
Coding change: c.125G>T on transcript NM_000523.4 (MANE Select); coding-DNA position 125, G replaced by T.
Protein change: p.Gly42Val; replaces glycine 42 with valine.
Molecular consequence: missense variant.
Genome position (GRCh38, 1-based): chr2:176,093,015, G>T. VCF-style: chr2-176093015-G-T. GRCh37 (hg19) VCF-style: chr2-176957743-G-T.
Other names: short protein forms G42V.
Identifiers: ClinVar variation 2662810 (VCV002662810.1), dbSNP rs1689346636, ClinGen allele CA349352133.

ClinVar aggregate classification (germline): Uncertain significance (1 of 4 stars; one submission).

Submission:

GeneDx
Classification: Uncertain significance. Last evaluated: 2023-10-12. Review status: criteria provided, single submitter. Criteria: GeneDx Variant Classification Process June 2021. Collection method: clinical testing. Allele origin: germline. Affected: yes.
Comment: Not observed at significant frequency in large population cohorts (gnomAD); In silico analysis supports that this missense variant does not alter protein structure/function; Has not been previously published as pathogenic or benign to our knowledge